The following is an entry in ClinVar:

ClinVar aggregate classification (germline): Uncertain significance (1 of 4 stars; one submission).

Allele frequency attached by ClinVar (database versions not stated): gnomAD 0.00001; TOPMed 0.00001.
gnomAD v4.1: 3 of 1,613,688 alleles (0.00019%); highest among the groups gnomAD compares: Admixed American, 0.0017%; no homozygotes.

Submission:

GeneDx
Classification: Uncertain significance. Last evaluated: 2023-02-24. Review status: criteria provided, single submitter. Criteria: GeneDx Variant Classification Process June 2021. Collection method: clinical testing. Allele origin: germline. Affected: yes.
Comment: In silico analysis supports that this missense variant does not alter protein structure/function; Has not been previously published as pathogenic or benign to our knowledge

NM_017613.4(DONSON):c.979C>G (p.Leu327Val)

Gene: DONSON (DNA replication fork stabilization factor DONSON; minus strand). Cytogenetic location: 21q22.11.
Variant type: single nucleotide variant.
Coding change: c.979C>G on transcript NM_017613.4 (MANE Select); coding-DNA position 979, C replaced by G.
Protein change: p.Leu327Val; replaces leucine 327 with valine.
Molecular consequence: missense variant.
Genome position (GRCh38, 1-based): chr21:33,582,232, G>C on the plus strand (C>G on the coding strand, the complement: DONSON is on the minus strand). VCF-style: chr21-33582232-G-C. GRCh37 (hg19) VCF-style: chr21-34954538-G-C.
Other names: short protein forms L327V.
Identifiers: ClinVar variation 2578042 (VCV002578042.1), dbSNP rs1322225569, ClinGen allele CA410135500.
Genomic context (GRCh38, chr21:33,582,232, plus strand): 5'-ATCCCAAGCTTGTTCCAGATGCTGTCTCCTTCTTATGGCCACTTTCTTTTATTAAAGGCA[G>C]AGAAAATTCAATACCTATATGAGGAACAAAAATGTAACTGAGTTGTCATTTAAAGTATTT-3'
Protein context (NP_060083.1, residues 317-337): AMRNEGIEFS[Leu327Val]PLIKESGHKK